The following is an entry in ClinVar:

ClinVar aggregate classification (germline): Likely pathogenic (1 of 4 stars; one submission).

Conditions:
Wilms tumor 1 (WT1). Also called: Wilms tumor, somatic. Identifiers: Orphanet 654, MedGen CN033288, MONDO:0008679, OMIM 194070.
Medulloblastoma (MDB). Also called: MEDULLOBLASTOMA PREDISPOSITION SYNDROME; Medulloblastoma, somatic. Identifiers: Orphanet 616, MedGen C0025149, MeSH D008527, MONDO:0007959, OMIM 155255, HP:0002885.
Pancreatic cancer, susceptibility to, 2. Identifiers: Orphanet 1333, MedGen C3150546, MONDO:0013235, OMIM 613347.
Breast-ovarian cancer, familial, susceptibility to, 2 (BROVCA2). Also called: BRCA2 Hereditary Breast and Ovarian Cancer. Identifiers: Orphanet 145, MedGen C2675520, MONDO:0012933, OMIM 612555. Disease mechanism: loss of function.
Glioma susceptibility 3 (GLM3). Also called: Glioblastoma 3. Identifiers: Orphanet 182067, Orphanet 360, MedGen C2751641, MONDO:0013093, OMIM 613029.
Fanconi anemia complementation group D1. Also called: BRCA2-Related Fanconi Anemia. Identifiers: Orphanet 319462, MedGen C1838457, MONDO:0011584, OMIM 605724.
Familial prostate cancer. Also called: Hereditary Prostate Cancer. Identifiers: MedGen C2931456, MONDO:0700275, OMIM 176807.
Familial cancer of breast. Also called: BREAST CANCER, FAMILIAL; Hereditary breast cancer; hereditary breast carcinoma. Identifiers: Orphanet 227535, MedGen C0346153, MONDO:0016419, OMIM 114480. Disease mechanism: loss of function.

Submission:

Juno Genomics, Hangzhou Juno Genomics, Inc
Classification: Likely pathogenic for Familial cancer of breast; Breast-ovarian cancer, familial, susceptibility to, 2; Glioma susceptibility 3; Medulloblastoma; Pancreatic cancer, susceptibility to, 2; Familial prostate cancer; Fanconi anemia complementation group D1; Wilms tumor 1. Review status: criteria provided, single submitter. Criteria: ACMG Guidelines, 2015. Collection method: clinical testing. Allele origin: germline.
Comment: Absent from controls (or at extremely low frequency if recessive) in Genome Aggregation Database.;Null variant in a gene where loss of function (LOF) is a known mechanism of disease.

NM_000059.4(BRCA2):c.9010_9013del (p.Lys3004fs)

Gene: BRCA2 (BRCA2 DNA repair associated; plus strand). Cytogenetic location: 13q13.1.
Variant type: Deletion.
Coding change: c.9010_9013del on transcript NM_000059.4 (MANE Select); coding-DNA positions 9010 to 9013, 4 bases deleted (AAGA; older notation c.9010_9013delAAGA).
Protein change: p.Lys3004fs; shifts the reading frame from lysine 3004.
Molecular consequence: frameshift variant. On other transcripts: non-coding transcript variant (1).
Genome position (GRCh38, 1-based): chr13:32,379,806-32,379,809, AAGA deleted; deleting any 4 consecutive bases within chr13:32,379,804-32,379,809 gives the same sequence; the c. name uses the placement nearest the transcript's 3' end. VCF-style (leftmost placement, unchanged base first): chr13-32379803-GGAAA-G. GRCh37 (hg19) VCF-style: chr13-32953940-GGAAA-G.
Other names: c.8914_8917del, p.Lys2972fs (NM_001406719.1); c.8959_8962del, p.Lys2987fs (NM_001406720.1); c.4078_4081del, p.Lys1360fs (NM_001406721.1); c.2593_2596del, p.Lys865fs (NM_001406722.1); c.9010_9013del, p.Lys3004fs (NM_001432077.1); short protein forms K1360fs, K2972fs, K2987fs, K3004fs, K865fs.
Identifiers: ClinVar variation 3382379 (VCV003382379.3).